The following is an entry in ClinVar:

NM_006912.6(RIT1):c.269T>C (p.Met90Thr)

Gene: RIT1 (Ras like without CAAX 1; minus strand). Cytogenetic location: 1q22.
Variant type: single nucleotide variant.
Coding change: c.269T>C on transcript NM_006912.6 (MANE Select); coding-DNA position 269, T replaced by C.
Protein change: p.Met90Thr; replaces methionine 90 with threonine.
Molecular consequence: missense variant.
Genome position (GRCh38, 1-based): chr1:155,904,471, A>G on the plus strand (T>C on the coding strand, the complement: RIT1 is on the minus strand). VCF-style: chr1-155904471-A-G. GRCh37 (hg19) VCF-style: chr1-155874262-A-G.
Other names: c.161T>C, p.Met54Thr (NM_001256820.2); c.320T>C, p.Met107Thr (NM_001256821.2); short protein forms M107T, M54T, M90T.
Identifiers: ClinVar variation 3382471 (VCV003382471.6).
Genomic context (GRCh38, chr1:155,904,471, plus strand): 5'-TCATGGAAACTTCGACGATCCGTGATAGAGTAACAGATGATAAACCCTTCTCCTGCCCTC[A>G]TATACTGGTCCCGCATGGCTGTAAACTCTGCCTAGAGGGAAACAAGGGTCATTATGTATT-3'
Protein context (NP_008843.1, residues 80-100): AEFTAMRDQY[Met90Thr]RAGEGFIICY

ClinVar aggregate classification (germline): Pathogenic/Likely pathogenic. Review status: criteria provided, multiple submitters, no conflicts (2 of 4 stars). 2 submissions from 2 submitters: Pathogenic (1); Likely pathogenic (1). Last evaluated 2026-03-01.

Conditions:
Noonan syndrome 8 (NS8). Identifiers: Orphanet 648, MedGen C3809233, MONDO:0014143, OMIM 615355.

Submissions (2):

CeGaT Center for Human Genetics Tuebingen
Classification: Pathogenic. Last evaluated: 2026-03-01. Review status: criteria provided, single submitter. Criteria: CeGaT Center For Human Genetics Tuebingen Variant Classification Criteria Version 2. Collection method: clinical testing. Allele origin: germline. Affected: yes. Observed: 1 variant allele.
Comment: RIT1: PM1, PM2, PM5, PM6, PS4:Moderate, PP3

Juno Genomics, Hangzhou Juno Genomics, Inc
Classification: Likely pathogenic for Noonan syndrome 8. Review status: criteria provided, single submitter. Criteria: ACMG Guidelines, 2015. Collection method: clinical testing. Allele origin: germline.
Comment: Absent from controls (or at extremely low frequency if recessive) in Genome Aggregation Database.;Multiple lines of computational evidence support a deleterious effect on the gene or gene product.;Novel missense change at an amino acid residue where a different missense change determined to be pathogenic has been seen before.;Assumed de novo, but without confirmation of paternity and maternity.;The prevalence of the variant in affected individuals is significantly increased compared to the prevalence in controls.